The following is an entry in ClinVar:

ClinVar aggregate classification (germline): Uncertain significance (1 of 4 stars; one submission).

Submission:

GeneDx
Classification: Uncertain significance. Last evaluated: 2025-04-03. Review status: criteria provided, single submitter. Criteria: GeneDx Variant Classification Process June 2021. Collection method: clinical testing. Allele origin: germline. Affected: yes.
Comment: Not observed at significant frequency in large population cohorts (gnomAD); In silico analysis supports that this missense variant has a deleterious effect on protein structure/function; Has not been previously published as pathogenic or benign to our knowledge

NM_001365276.2(TNXB):c.2775C>A (p.Asn925Lys)

Gene: TNXB (tenascin XB; minus strand). Cytogenetic location: 6p21.33.
Variant type: single nucleotide variant.
Coding change: c.2775C>A on transcript NM_001365276.2 (MANE Select); coding-DNA position 2775, C replaced by A.
Protein change: p.Asn925Lys; replaces asparagine 925 with lysine.
Molecular consequence: missense variant.
Genome position (GRCh38, 1-based): chr6:32,088,789, G>T on the plus strand (C>A on the coding strand, the complement: TNXB is on the minus strand). VCF-style: chr6-32088789-G-T. GRCh37 (hg19) VCF-style: chr6-32056566-G-T.
Other names: c.2775C>A, p.Asn925Lys (NM_001428335.1, NM_019105.8); short protein forms N925K.
Identifiers: ClinVar variation 4278513 (VCV004278513.1).